The following is an entry in ClinVar:

NM_018026.4(PACS1):c.2656+1G>C

Gene: PACS1 (phosphofurin acidic cluster sorting protein 1; plus strand). Cytogenetic location: 11q13.2.
Variant type: single nucleotide variant.
Coding change: c.2656+1G>C on transcript NM_018026.4 (MANE Select); the canonical splice donor site of the intron after coding-DNA position 2656, G replaced by C.
Molecular consequence: splice donor variant.
Genome position (GRCh38, 1-based): chr11:66,241,654, G>C. VCF-style: chr11-66241654-G-C. GRCh37 (hg19) VCF-style: chr11-66009125-G-C.
Identifiers: ClinVar variation 421421 (VCV000421421.2), dbSNP rs1064795125, ClinGen allele CA16619378.

ClinVar aggregate classification (germline): Likely pathogenic (1 of 4 stars; one submission).

Submission:

GeneDx
Classification: Likely pathogenic. Last evaluated: 2016-06-07. Review status: criteria provided, single submitter. Criteria: GeneDx Variant Classification (06012015). Collection method: clinical testing. Allele origin: germline. Affected: yes.
Comment: The c.2656+1G>C variant in the PACS1 gene has not been reported previously as a pathogenic variant nor as a benign variant, to our knowledge. This splice site variant destroys the canonical splice donor site in intron 22, causing adjacent exon 22 to be out-of-frame. It is predicted to cause abnormal gene splicing, either leading to an abnormal message that is subject to nonsense-mediated mRNA decay, or to an abnormal protein product if the message is used for protein translation, however, in the absence of RNA/functional studies, the actual effect of c.2656+1G>C in this individual is unknown. The c.2656+1G>C variant was not observed in approximately 6500 individuals of European and African American ancestry in the NHLBI Exome Sequencing Project, indicating it is not a common benign variant in these populations. We interpret c.2656+1G>C as a pathogenic variant.